The following is an entry in ClinVar:

ClinVar aggregate classification (germline): Uncertain significance (1 of 4 stars; one submission).

gnomAD v4.1: 1 of 1,611,126 alleles (0.000062%); highest among the groups gnomAD compares: Non-Finnish European, 0.000085%; no homozygotes.

Submission:

Labcorp Genetics (formerly Invitae), Labcorp
Classification: Uncertain significance. Last evaluated: 2024-02-16. Review status: criteria provided, single submitter. Criteria: Invitae Variant Classification Sherloc (09022015). Collection method: clinical testing. Allele origin: germline.
Comment: This sequence change falls in intron 16 of the CLTC gene. It does not directly change the encoded amino acid sequence of the CLTC protein. It affects a nucleotide within the consensus splice site. This variant is present in population databases (no rsID available, gnomAD 0.0009%). This variant has not been reported in the literature in individuals affected with CLTC-related conditions. Variants that disrupt the consensus splice site are a relatively common cause of aberrant splicing (PMID: 17576681, 9536098). Algorithms developed to predict the effect of sequence changes on RNA splicing suggest that this variant may disrupt the consensus splice site. In summary, the available evidence is currently insufficient to determine the role of this variant in disease. Therefore, it has been classified as a Variant of Uncertain Significance.

Literature cited by the submitters: PubMed 17576681; PubMed 9536098.

NM_004859.4(CLTC):c.2561+6G>A

Gene: CLTC (clathrin heavy chain; plus strand). Cytogenetic location: 17q23.1.
Variant type: single nucleotide variant.
Coding change: c.2561+6G>A on transcript NM_004859.4 (MANE Select); 6 bases into the intron after coding-DNA position 2561, G replaced by A.
Molecular consequence: intron variant.
Genome position (GRCh38, 1-based): chr17:59,674,849, G>A. VCF-style: chr17-59674849-G-A. GRCh37 (hg19) VCF-style: chr17-57752210-G-A.
Other names: c.2573+6G>A (NM_001288653.2).
Identifiers: ClinVar variation 3711239 (VCV003711239.2).
Genomic context (GRCh38, chr17:59,674,849, plus strand): 5'-TAAGAGGTCAATTCTCTACTGATGAGCTTGTTGCTGAGGTTGAAAAAAGAAACAGGTGTA[G>A]TACCATTTTAACAGGGATAAGTTACTCTTTCTTAACATGGCAATAGATAAAAATATAGGT-3'